The following is an entry in ClinVar:

NM_001384140.1(PCDH15):c.318+2T>C

Gene: PCDH15 (protocadherin related 15; minus strand). Cytogenetic location: 10q21.1.
Variant type: single nucleotide variant.
Coding change: c.318+2T>C on transcript NM_001384140.1 (MANE Select); the canonical splice donor site of the intron after coding-DNA position 318, T replaced by C.
Molecular consequence: splice donor variant.
Genome position (GRCh38, 1-based): chr10:54,378,780, A>G on the plus strand (T>C on the coding strand, the complement: PCDH15 is on the minus strand). VCF-style: chr10-54378780-A-G. GRCh37 (hg19) VCF-style: chr10-56138540-A-G.
Other names: c.252+2T>C (NM_001354404.2, NM_001142773.2, NM_001142768.2); c.318+2T>C (NM_001142767.2, NM_001142765.2, NM_001142766.2 and 8 more transcripts); c.333+2T>C (NM_001142763.2, NM_001142771.2, NM_001142769.3).
Identifiers: ClinVar variation 5003618 (VCV005003618.1).

ClinVar aggregate classification (germline): Likely pathogenic (1 of 4 stars; one submission).

Conditions:
Usher syndrome type 1F (USH1F). Also called: USHER SYNDROME, TYPE IF. Identifiers: Orphanet 231169, Orphanet 886, MedGen C1865885, MONDO:0011186, OMIM 602083.

gnomAD v4.1: 2 of 1,613,490 alleles (0.00012%); highest among the groups gnomAD compares: African/African-American, 0.0013%; no homozygotes.

Submission:

Myriad Genetics, Inc.
Classification: Likely pathogenic for Usher syndrome type 1F. Last evaluated: 2026-02-02. Review status: criteria provided, single submitter. Criteria: Myriad Autosomal Dominant, Autosomal Recessive and X-Linked Classification Criteria (2023). Collection method: clinical testing. Allele origin: unknown.
Comment: NM_033056.3(PCDH15):c.318+2T>C is a variant in a canonical splice site classified as likely pathogenic in the context of PCDH15-related disorders. c.318+2T>C has not been observed in cases with relevant disease. Relevant functional assessments of this variant are not available in the literature. c.318+2T>C has been observed in referenced population frequency databases. In summary, NM_033056.3(PCDH15):c.318+2T>C is a variant in a canonical splice site in a gene where loss of function is a known mechanism of disease and is predicted to disrupt protein function. Please note: this variant was assessed in the context of healthy population screening.